The following is an entry in ClinVar:

ClinVar aggregate classification (germline): Pathogenic (1 of 4 stars; one submission).

Conditions:
Autosomal recessive polycystic kidney disease (ARPKD). Also called: AR polycystic kidney disease. Identifiers: Orphanet 731, Orphanet 8378, MedGen C0085548, MeSH D017044, MONDO:0009889.

Submission:

Labcorp Genetics (formerly Invitae), Labcorp
Classification: Pathogenic for Autosomal recessive polycystic kidney disease. Last evaluated: 2025-12-02. Review status: criteria provided, single submitter. Criteria: Invitae Variant Classification Sherloc (09022015). Collection method: clinical testing. Allele origin: germline.
Comment: This sequence change creates a premature translational stop signal (p.Glu3928*) in the PKHD1 gene. While this is not anticipated to result in nonsense mediated decay, it is expected to disrupt the last 147 amino acid(s) of the PKHD1 protein. This variant is not present in population databases (gnomAD no frequency). This variant has not been reported in the literature in individuals affected with PKHD1-related conditions. This variant disrupts a region of the PKHD1 protein in which other variant(s) (p.Arg3961*) have been determined to be pathogenic (PMID: 34536170). This suggests that this is a clinically significant region of the protein, and that variants that disrupt it are likely to be disease-causing. For these reasons, this variant has been classified as Pathogenic.

Literature cited by the submitters: PubMed 34536170.

NM_138694.4(PKHD1):c.11782G>T (p.Glu3928Ter)

Gene: PKHD1 (PKHD1 ciliary IPT domain containing fibrocystin/polyductin; minus strand). Cytogenetic location: 6p12.3.
Variant type: single nucleotide variant.
Coding change: c.11782G>T on transcript NM_138694.4 (MANE Select); coding-DNA position 11782, G replaced by T.
Protein change: p.Glu3928Ter; replaces glutamic acid 3928 with a stop codon.
Molecular consequence: nonsense.
Genome position (GRCh38, 1-based): chr6:51,627,000, C>A on the plus strand (G>T on the coding strand, the complement: PKHD1 is on the minus strand). VCF-style: chr6-51627000-C-A. GRCh37 (hg19) VCF-style: chr6-51491798-C-A.
Other names: short protein forms E3928*.
Identifiers: ClinVar variation 4694627 (VCV004694627.1).
Genomic context (GRCh38, chr6:51,627,000, plus strand): 5'-TCAGACCATCCACAGTGGGTCTCTCCTGTGGGGATCATCTCCACCCTCCAAGCTTACCTT[C>A]TCCCACCACAGTGTCTTCTTTTTTGGGCCCTTGTGATTCTCGGCGTTTGGATGAGATGTG-3'